The following is an entry in ClinVar:

ClinVar aggregate classification (germline): Pathogenic. Review status: criteria provided, multiple submitters, no conflicts (2 of 4 stars). 6 submissions from 6 submitters: Pathogenic (6). Last evaluated 2025-03-14.

Conditions:
Hereditary cancer-predisposing syndrome. Also called: Hereditary neoplastic syndrome; Tumor predisposition; Neoplastic Syndromes, Hereditary; Hereditary Cancer Syndrome. Identifiers: Orphanet 140162, MedGen C0027672, MeSH D009386, MONDO:0015356.
Peutz-Jeghers syndrome (PJS). Also called: Peutz-Jeghers polyposis; Periorificial lentiginosis syndrome; POLYPOSIS, HAMARTOMATOUS INTESTINAL; POLYPS-AND-SPOTS SYNDROME. Identifiers: Orphanet 2869, MedGen C0031269, MeSH D010580, MONDO:0008280, OMIM 175200.

Allele frequency attached by ClinVar (database versions not stated): gnomAD 0.00001.
gnomAD v4.1: 1 of 1,600,148 alleles (0.000062%); highest among the groups gnomAD compares: African/African-American, 0.0013%; no homozygotes.

Submissions (6):

Myriad Genetics, Inc.
Classification: Pathogenic for Peutz-Jeghers syndrome. Last evaluated: 2025-03-14. Review status: criteria provided, single submitter. Criteria: Myriad Autosomal Dominant, Autosomal Recessive and X-Linked Classification Criteria (2023). Collection method: clinical testing. Allele origin: unknown.
Comment: This variant is considered pathogenic. This variant occurs within a consensus splice junction and is predicted to result in abnormal mRNA splicing of either an out-of-frame exon or an in-frame exon necessary for protein stability and/or normal function. This variant has been reported in multiple individuals with clinical features of gene-specific disease [PMID: 30528796, 26607058, 23430953,11389158, 29310834].

Ambry Genetics
Classification: Pathogenic for Hereditary cancer-predisposing syndrome. Last evaluated: 2023-05-01. Review status: criteria provided, single submitter. Criteria: Ambry Variant Classification Scheme 2023. Collection method: clinical testing. Allele origin: germline.
Comment: The c.290+1G>A intronic pathogenic mutation results from a G to A substitution one nucleotide after coding exon 1 of the STK11 gene. This alteration has been identified in multiple affected individuals fulfilling clinical diagnostic criteria for Peutz-Jeghers syndrome (Aretz S et al. Hum Mutat, 2005 Dec;26:513-9; Chow E et al. Clin Genet, 2006 Nov;70:409-14; Hearle N et al. Clin. Cancer Res., 2006 May;12:3209-15; Olschwang S et al. J Med Genet, 2001 Jun;38:356-60; Scott RJ et al. Clin. Genet., 2002 Oct;62:282-7; Huang Z et al. BMC Gastroenterol, 2015 Nov;15:166). In addition to the clinical data presented in the literature, alterations that disrupt the canonical splice site are expected to cause aberrant splicing, resulting in an abnormal protein or a transcript that is subject to nonsense-mediated mRNA decay. As such, this alteration is classified as a disease-causing mutation.

Labcorp Genetics (formerly Invitae), Labcorp
Classification: Pathogenic for Peutz-Jeghers syndrome. Last evaluated: 2023-01-24. Review status: criteria provided, single submitter. Criteria: Invitae Variant Classification Sherloc (09022015). Collection method: clinical testing. Allele origin: germline.
Comment: For these reasons, this variant has been classified as Pathogenic. Studies have shown that disruption of this splice site is associated with altered splicing resulting in unknown protein product impact (Invitae). ClinVar contains an entry for this variant (Variation ID: 428787). Disruption of this splice site has been observed in individuals with clinical features of Peutz-Jeghers syndrome (PMID: 11389158, 16287113, 16707622, 17026623, 19727776, 24652667; Invitae). This variant is not present in population databases (gnomAD no frequency). This sequence change affects a donor splice site in intron 1 of the STK11 gene. It is expected to disrupt RNA splicing. Variants that disrupt the donor or acceptor splice site typically lead to a loss of protein function (PMID: 16199547), and loss-of-function variants in STK11 are known to be pathogenic (PMID: 15188174, 16287113).

MGZ Medical Genetics Center
Classification: Pathogenic for Peutz-Jeghers syndrome. Last evaluated: 2021-11-24. Review status: criteria provided, single submitter. Criteria: ACMG Guidelines, 2015. Collection method: clinical testing. Allele origin: germline. Affected: yes. Observed: 1 variant allele.
Comment: ACMG criteria applied: PVS1, PS4_MOD, PM2_SUP, PP4

Genome-Nilou Lab
Classification: Pathogenic for Peutz-Jeghers syndrome. Last evaluated: 2021-07-15. Review status: criteria provided, single submitter. Criteria: ACMG Guidelines, 2015. Collection method: clinical testing. Allele origin: germline. Affected: no.

Department of Pathology and Laboratory Medicine, Sinai Health System
Classification: Pathogenic for Peutz-Jeghers syndrome. Last evaluated: 2019-12-31. Review status: criteria provided, single submitter. Criteria: ACMG Guidelines, 2015. Collection method: clinical testing. Allele origin: germline. Affected: yes.

Literature cited by the submitters: PubMed 30528796 (cited by Myriad Genetics, Inc.); PubMed 26607058 (cited by 3 submitters); PubMed 23430953 (cited by Myriad Genetics, Inc.); PubMed 11389158 (cited by 4 submitters); PubMed 29310834 (cited by Myriad Genetics, Inc.); PubMed 12372054 (cited by Ambry Genetics and Department of Pathology and Laboratory Medicine, Sinai Health System); PubMed 16287113 (cited by Ambry Genetics and Labcorp Genetics (formerly Invitae), Labcorp); PubMed 16707622 (cited by 3 submitters); PubMed 17026623 (cited by 3 submitters); PubMed 19727776 (cited by Labcorp Genetics (formerly Invitae), Labcorp); PubMed 24652667 (cited by Labcorp Genetics (formerly Invitae), Labcorp); PubMed 16199547 (cited by Labcorp Genetics (formerly Invitae), Labcorp); PubMed 15188174 (cited by Labcorp Genetics (formerly Invitae), Labcorp).

NM_000455.5(STK11):c.290+1G>A

Gene: STK11 (serine/threonine kinase 11; plus strand). Cytogenetic location: 19p13.3.
Variant type: single nucleotide variant.
Coding change: c.290+1G>A on transcript NM_000455.5 (MANE Select); the canonical splice donor site of the intron after coding-DNA position 290, G replaced by A.
Molecular consequence: splice donor variant.
Genome position (GRCh38, 1-based): chr19:1,207,204, G>A. VCF-style: chr19-1207204-G-A. GRCh37 (hg19) VCF-style: chr19-1207203-G-A.
Other names: c.290+1G>A (NM_001407255.1).
Identifiers: ClinVar variation 428787 (VCV000428787.18), dbSNP rs1131690950, ClinGen allele CA402944662.